The following is an entry in ClinVar:

ClinVar aggregate classification (germline): Uncertain significance (1 of 4 stars; one submission).

Conditions:
Fanconi anemia (FA). Also called: Fanconi's anemia. Identifiers: Orphanet 84, MedGen C0015625, MeSH D005199, MONDO:0019391.

gnomAD v4.1: 1 of 1,613,992 alleles (0.000062%); highest among the groups gnomAD compares: Non-Finnish European, 0.000085%; no homozygotes.

Submission:

Labcorp Genetics (formerly Invitae), Labcorp
Classification: Uncertain significance for Fanconi anemia. Last evaluated: 2025-07-19. Review status: criteria provided, single submitter. Criteria: Invitae Variant Classification Sherloc (09022015). Collection method: clinical testing. Allele origin: germline.
Comment: This sequence change replaces glutamic acid, which is acidic and polar, with glycine, which is neutral and non-polar, at codon 904 of the SLX4 protein (p.Glu904Gly). This variant is not present in population databases (gnomAD no frequency). This variant has not been reported in the literature in individuals affected with SLX4-related conditions. An algorithm developed to predict the effect of missense changes on protein structure and function outputs the following: PolyPhen-2: "Benign". The glycine amino acid residue is found in multiple mammalian species, which suggests that this missense change does not adversely affect protein function. In summary, the available evidence is currently insufficient to determine the role of this variant in disease. Therefore, it has been classified as a Variant of Uncertain Significance.

NM_032444.4(SLX4):c.2711A>G (p.Glu904Gly)

Gene: SLX4 (SLX4 structure-specific endonuclease subunit; minus strand). Cytogenetic location: 16p13.3.
Variant type: single nucleotide variant.
Coding change: c.2711A>G on transcript NM_032444.4 (MANE Select); coding-DNA position 2711, A replaced by G.
Protein change: p.Glu904Gly; replaces glutamic acid 904 with glycine.
Molecular consequence: missense variant.
Genome position (GRCh38, 1-based): chr16:3,590,927, T>C on the plus strand (A>G on the coding strand, the complement: SLX4 is on the minus strand). VCF-style: chr16-3590927-T-C. GRCh37 (hg19) VCF-style: chr16-3640928-T-C.
Other names: short protein forms E904G.
Identifiers: ClinVar variation 4799284 (VCV004799284.1).
Genomic context (GRCh38, chr16:3,590,927, plus strand): 5'-CCCATCTTCTCCCAGGTGGTGGCGGCCTCATCTCTTCCTGGCTCCAACGGCTCCATCTCC[T>C]CCACCTTGTCCCACTGTTTCTGCACCTGGACACCTGCTAGGAGTTGCCCAGAAACCGGAC-3'
Protein context (NP_115820.2, residues 894-914): VQVQKQWDKV[Glu904Gly]EMEPLEPGRD